The following is an entry in ClinVar:

ClinVar aggregate classification (germline): Uncertain significance. Review status: criteria provided, multiple submitters, no conflicts (2 of 4 stars). 2 submissions from 2 submitters: Uncertain significance (2). Last evaluated 2023-04-06.

Conditions:
Early-infantile DEE. Also called: Early infantile epileptic encephalopathy with suppression bursts; Early infantile epileptic encephalopathy; Ohtahara syndrome. Identifiers: Orphanet 1934, MedGen C0393706, MONDO:0800491.
Inborn genetic diseases. Identifiers: MedGen C0950123, MeSH D030342.

Submissions (2):

Labcorp Genetics (formerly Invitae), Labcorp
Classification: Uncertain significance for Early-infantile DEE. Last evaluated: 2023-04-06. Review status: criteria provided, single submitter. Criteria: Invitae Variant Classification Sherloc (09022015). Collection method: clinical testing. Allele origin: germline.
Comment: This sequence change replaces valine, which is neutral and non-polar, with alanine, which is neutral and non-polar, at codon 1464 of the SCN1A protein (p.Val1464Ala). This variant is not present in population databases (gnomAD no frequency). This missense change has been observed in individual(s) with SCN1A-related conditions (PMID: 33895391). ClinVar contains an entry for this variant (Variation ID: 1740236). Advanced modeling of protein sequence and biophysical properties (such as structural, functional, and spatial information, amino acid conservation, physicochemical variation, residue mobility, and thermodynamic stability) performed at Invitae indicates that this missense variant is expected to disrupt SCN1A protein function. In summary, the available evidence is currently insufficient to determine the role of this variant in disease. Therefore, it has been classified as a Variant of Uncertain Significance.

Ambry Genetics
Classification: Uncertain significance for Inborn genetic diseases. Last evaluated: 2017-09-30. Review status: criteria provided, single submitter. Criteria: Ambry Variant Classification Scheme 2023. Collection method: clinical testing. Allele origin: germline.
Comment: The p.V1464A variant (also known as c.4391T>C), located in coding exon 23 of the SCN1A gene, results from a T to C substitution at nucleotide position 4391. The valine at codon 1464 is replaced by alanine, an amino acid with similar properties. This amino acid position is highly conserved in available vertebrate species. In addition, this alteration is predicted to be deleterious by in silico analysis. Since supporting evidence is limited at this time, the clinical significance of this alteration remains unclear.

Literature cited by the submitters: PubMed 33895391 (cited by Labcorp Genetics (formerly Invitae), Labcorp).

NM_001165963.4(SCN1A):c.4391T>C (p.Val1464Ala)

Genes: SCN1A (sodium voltage-gated channel alpha subunit 1; minus strand), LOC102724058 (uncharacterized LOC102724058; plus strand). Cytogenetic location: 2q24.3.
Variant type: single nucleotide variant.
Coding change: c.4391T>C on transcript NM_001165963.4 (MANE Select); coding-DNA position 4391, T replaced by C.
Protein change: p.Val1464Ala; replaces valine 1464 with alanine.
Molecular consequence: missense variant. On other transcripts: non-coding transcript variant (1).
Genome position (GRCh38, 1-based): chr2:165,998,123, A>G on the plus strand (T>C on the coding strand, the complement: SCN1A is on the minus strand). VCF-style: chr2-165998123-A-G. GRCh37 (hg19) VCF-style: chr2-166854633-A-G.
Other names: c.4307T>C, p.Val1436Ala (NM_001165964.3, NM_001353957.2, NM_001353958.2); c.4391T>C, p.Val1464Ala (NM_001202435.3, NM_001353948.2); c.4358T>C, p.Val1453Ala (NM_001353949.2, NM_001353950.2, NM_001353951.2 and 2 more transcripts); c.4355T>C, p.Val1452Ala (NM_001353954.2, NM_001353955.2); c.4304T>C, p.Val1435Ala (NM_001353960.2); c.1949T>C, p.Val650Ala (NM_001353961.2); short protein forms V1435A, V1436A, V1452A, V1453A, V1464A, V650A.
Identifiers: ClinVar variation 1740236 (VCV001740236.5), dbSNP rs2468394678, ClinGen allele CA349049396.